The following is an entry in ClinVar:

ClinVar aggregate classification (germline): Uncertain significance (1 of 4 stars; one submission).

Submission:

GeneDx
Classification: Uncertain significance. Last evaluated: 2025-01-15. Review status: criteria provided, single submitter. Criteria: GeneDx Variant Classification Process June 2021. Collection method: clinical testing. Allele origin: germline. Affected: yes.
Comment: Not observed at significant frequency in large population cohorts (gnomAD); In silico analysis indicates that this missense variant does not alter protein structure/function; Has not been previously published as pathogenic or benign to our knowledge

NM_000702.4(ATP1A2):c.976A>G (p.Ile326Val)

Gene: ATP1A2 (ATPase Na+/K+ transporting subunit alpha 2; plus strand). Cytogenetic location: 1q23.2.
Variant type: single nucleotide variant.
Coding change: c.976A>G on transcript NM_000702.4 (MANE Select); coding-DNA position 976, A replaced by G.
Protein change: p.Ile326Val; replaces isoleucine 326 with valine.
Molecular consequence: missense variant.
Genome position (GRCh38, 1-based): chr1:160,127,779, A>G. VCF-style: chr1-160127779-A-G. GRCh37 (hg19) VCF-style: chr1-160097569-A-G.
Other names: short protein forms I326V.
Identifiers: ClinVar variation 4070833 (VCV004070833.1).